The following is an entry in ClinVar:

NM_020361.5(CPA6):c.133T>C (p.Phe45Leu)

Gene: CPA6 (carboxypeptidase A6; minus strand). Cytogenetic location: 8q13.2.
Variant type: single nucleotide variant.
Coding change: c.133T>C on transcript NM_020361.5 (MANE Select); coding-DNA position 133, T replaced by C.
Protein change: p.Phe45Leu; replaces phenylalanine 45 with leucine.
Molecular consequence: missense variant.
Genome position (GRCh38, 1-based): chr8:67,624,235, A>G on the plus strand (T>C on the coding strand, the complement: CPA6 is on the minus strand). VCF-style: chr8-67624235-A-G. GRCh37 (hg19) VCF-style: chr8-68536470-A-G.
Other names: short protein forms F45L.
Identifiers: ClinVar variation 128845 (VCV000128845.22), dbSNP rs10957393, ClinGen allele CA152499.
Genomic context (GRCh38, chr8:67,624,235, plus strand): 5'-CCTTAAGTTGATAGGATATTTTCTTCAGTGCATATGCTTCCTCTTCTGTTTTGGGAATAA[A>G]TCTTATCACTTTATCACTACAAGATAAGAAAAGAAAGATGATAATTACTTTTCGAAAATA-3'
Protein context (NP_065094.3, residues 35-55): NRYAGDKVIR[Phe45Leu]IPKTEEEAYA

ClinVar aggregate classification (germline): Benign. Review status: criteria provided, multiple submitters, no conflicts (2 of 4 stars). 6 submissions from 6 submitters: Benign (5). 1 of the submissions does not count toward it. Last evaluated 2026-01-26.

Conditions:
Febrile seizures, familial, 11 (FEB11). Also called: CONVULSIONS, FAMILIAL FEBRILE, 11. Identifiers: MedGen C3280734, MONDO:0024566, OMIM 614418.
Familial temporal lobe epilepsy 5. Identifiers: MedGen C3280730, MONDO:0013741, OMIM 614417.

Allele frequency attached by ClinVar (database versions not stated): gnomAD exomes 0.22887 and 0.22989; 1000 Genomes Project 0.23223; ExAC 0.23596; 1000 Genomes Project 30x 0.23829; TOPMed 0.25661; gnomAD 0.25723 and 0.25907; ESP Exome Variant Server 0.26404.
gnomAD v4.1: 350,723 of 1,511,202 alleles (23%); highest among the groups gnomAD compares: African/African-American, 32%; 42,491 homozygotes.

Submissions (6):

Labcorp Genetics (formerly Invitae), Labcorp
Classification: Benign for Febrile seizures, familial, 11. Last evaluated: 2026-01-26. Review status: criteria provided, single submitter. Criteria: Invitae Variant Classification Sherloc (09022015). Collection method: clinical testing. Allele origin: germline.

Illumina Laboratory Services, Illumina
Classification: Benign for Familial temporal lobe epilepsy 5. Last evaluated: 2018-01-13. Review status: criteria provided, single submitter. Criteria: ICSL Variant Classification Criteria 13 December 2019. Collection method: clinical testing. Allele origin: germline.
Comment: This variant was observed in the ICSL laboratory as part of a predisposition screen in an ostensibly healthy population. It had not been previously curated by ICSL or reported in the Human Gene Mutation Database (HGMD: prior to June 1st, 2018), and was therefore a candidate for classification through an automated scoring system. Utilizing variant allele frequency, disease prevalence and penetrance estimates, and inheritance mode, an automated score was calculated to assess if this variant is too frequent to cause the disease. Based on the score and internal cut-off values, a variant classified as benign is not then subjected to further curation. The score for this variant resulted in a classification of benign for this disease.

Athena Diagnostics
Classification: Benign. Last evaluated: 2017-04-20. Review status: criteria provided, single submitter. Criteria: Athena Diagnostics Criteria. Collection method: clinical testing. Allele origin: germline.

Eurofins Ntd Llc (ga)
Classification: Benign. Last evaluated: 2015-07-07. Review status: criteria provided, single submitter. Criteria: EGL Classification Definitions 2015. Collection method: clinical testing. Allele origin: germline. Observed: 2 variant alleles, 2 heterozygotes.

Breakthrough Genomics
Classification: Benign. Review status: criteria provided, single submitter. Criteria: ACMG Guidelines, 2015. Collection method: not provided. Allele origin: germline. Inheritance: Autosomal recessive inheritance. Affected: yes.

Genetic Services Laboratory, University of Chicago
Classification: Likely benign for AllHighlyPenetrant. Review status: no assertion criteria provided. Collection method: clinical testing. Allele origin: germline. Inheritance: Autosomal recessive inheritance. Not counted in ClinVar's aggregate classification.
Comment: Likely benign based on allele frequency in 1000 Genomes Project or ESP global frequency and its presence in a patient with a rare or unrelated disease phenotype. NOT Sanger confirmed.